The following is an entry in ClinVar:

NM_015346.4(ZFYVE26):c.4147C>T (p.Gln1383Ter)

Gene: ZFYVE26 (zinc finger FYVE-type containing 26; minus strand). Cytogenetic location: 14q24.1.
Variant type: single nucleotide variant.
Coding change: c.4147C>T on transcript NM_015346.4 (MANE Select); coding-DNA position 4147, C replaced by T.
Protein change: p.Gln1383Ter; replaces glutamine 1383 with a stop codon.
Molecular consequence: nonsense.
Genome position (GRCh38, 1-based): chr14:67,783,005, G>A on the plus strand (C>T on the coding strand, the complement: ZFYVE26 is on the minus strand). VCF-style: chr14-67783005-G-A. GRCh37 (hg19) VCF-style: chr14-68249722-G-A.
Other names: short protein forms Q1383*.
Identifiers: ClinVar variation 1446097 (VCV001446097.6), dbSNP rs2140222938, ClinGen allele CA390170746.

ClinVar aggregate classification (germline): Pathogenic (1 of 4 stars; one submission).

Conditions:
Spastic paraplegia. Identifiers: MedGen C0037772, HP:0001258.

Submission:

Labcorp Genetics (formerly Invitae), Labcorp
Classification: Pathogenic for Spastic paraplegia. Last evaluated: 2021-05-03. Review status: criteria provided, single submitter. Criteria: Invitae Variant Classification Sherloc (09022015). Collection method: clinical testing. Allele origin: germline.
Comment: For these reasons, this variant has been classified as Pathogenic. This variant has not been reported in the literature in individuals with ZFYVE26-related conditions. This variant is not present in population databases (ExAC no frequency). This sequence change creates a premature translational stop signal (p.Gln1383*) in the ZFYVE26 gene. It is expected to result in an absent or disrupted protein product. Loss-of-function variants in ZFYVE26 are known to be pathogenic (PMID: 18394578, 19805727).

Literature cited by the submitters: PubMed 18394578; PubMed 19805727.